The following is an entry in ClinVar:

ClinVar aggregate classification (germline): Uncertain significance (1 of 4 stars; one submission).

gnomAD v4.1: 7 of 1,614,048 alleles (0.00043%); highest among the groups gnomAD compares: African/African-American, 0.0027%; no homozygotes.

Submission:

Labcorp Genetics (formerly Invitae), Labcorp
Classification: Uncertain significance. Last evaluated: 2025-07-23. Review status: criteria provided, single submitter. Criteria: Invitae Variant Classification Sherloc (09022015). Collection method: clinical testing. Allele origin: germline.
Comment: This sequence change replaces alanine, which is neutral and non-polar, with threonine, which is neutral and polar, at codon 1626 of the COL4A1 protein (p.Ala1626Thr). This variant is present in population databases (no rsID available, gnomAD no frequency). This variant has not been reported in the literature in individuals affected with COL4A1-related conditions. Invitae Evidence Modeling of protein sequence and biophysical properties (such as structural, functional, and spatial information, amino acid conservation, physicochemical variation, residue mobility, and thermodynamic stability) indicates that this missense variant is not expected to disrupt COL4A1 protein function with a negative predictive value of 95%. In summary, the available evidence is currently insufficient to determine the role of this variant in disease. Therefore, it has been classified as a Variant of Uncertain Significance.

NM_001845.6(COL4A1):c.4876G>A (p.Ala1626Thr)

Gene: COL4A1 (collagen type IV alpha 1 chain; minus strand). Cytogenetic location: 13q34.
Variant type: single nucleotide variant.
Coding change: c.4876G>A on transcript NM_001845.6 (MANE Select); coding-DNA position 4876, G replaced by A.
Protein change: p.Ala1626Thr; replaces alanine 1626 with threonine.
Molecular consequence: missense variant.
Genome position (GRCh38, 1-based): chr13:110,152,386, C>T on the plus strand (G>A on the coding strand, the complement: COL4A1 is on the minus strand). VCF-style: chr13-110152386-C-T. GRCh37 (hg19) VCF-style: chr13-110804733-C-T.
Other names: short protein forms A1626T.
Identifiers: ClinVar variation 4749164 (VCV004749164.1).